The following is an entry in ClinVar:

NM_005559.4(LAMA1):c.7970T>C (p.Leu2657Ser)

Genes: LAMA1 (laminin subunit alpha 1; minus strand), LOC101927188 (uncharacterized LOC101927188; plus strand). Cytogenetic location: 18p11.31.
Variant type: single nucleotide variant.
Coding change: c.7970T>C on transcript NM_005559.4 (MANE Select); coding-DNA position 7970, T replaced by C.
Protein change: p.Leu2657Ser; replaces leucine 2657 with serine.
Molecular consequence: missense variant. On other transcripts: non-coding transcript variant (1).
Genome position (GRCh38, 1-based): chr18:6,956,760, A>G on the plus strand (T>C on the coding strand, the complement: LAMA1 is on the minus strand). VCF-style: chr18-6956760-A-G. GRCh37 (hg19) VCF-style: chr18-6956759-A-G.
Other names: short protein forms L2657S.
Identifiers: ClinVar variation 2682309 (VCV002682309.1), dbSNP rs2057580769, ClinGen allele CA401841752.
Genomic context (GRCh38, chr18:6,956,760, plus strand): 5'-TCTGACAGCCAGCAGGTGTCCAGGTCGACTTGCTCATGGCCAACTGCACTGTTGAAATCC[A>G]AAAGTCTAGGTAGAAACAAGAGAGTGTTTTCAAAATTAGGATATCACAAACCAGTCCATG-3'
Protein context (NP_005550.2, residues 2647-2667): IKNLIFNLEL[Leu2657Ser]DFNSAVGHEQ

ClinVar aggregate classification (germline): Uncertain significance (1 of 4 stars; one submission).

Allele frequency attached by ClinVar (database versions not stated): gnomAD exomes below 0.00001; TOPMed below 0.00001.
gnomAD v4.1: 1 of 1,614,182 alleles (0.000062%); highest among the groups gnomAD compares: African/African-American, 0.0013%; no homozygotes.

Submission:

Women's Health and Genetics/Laboratory Corporation of America, LabCorp
Classification: Uncertain significance. Last evaluated: 2023-11-03. Review status: criteria provided, single submitter. Criteria: LabCorp Variant Classification Summary - May 2015. Collection method: clinical testing. Allele origin: germline.
Comment: Variant summary: LAMA1 c.7970T>C (p.Leu2657Ser) results in a non-conservative amino acid change located in the Laminin G domain (IPR001791) of the encoded protein sequence. Four of five in-silico tools predict a damaging effect of the variant on protein function. The variant was absent in 251390 control chromosomes (gnomAD). The available data on variant occurrences in the general population are insufficient to allow any conclusion about variant significance. To our knowledge, no occurrence of c.7970T>C in individuals affected with Ataxia-Intellectual Disability-Oculomotor Apraxia-Cerebellar Cysts Syndrome and no experimental evidence demonstrating its impact on protein function have been reported. No submitters have cited clinical-significance assessments for this variant to ClinVar after 2014. Based on the evidence outlined above, the variant was classified as uncertain significance.